The following is an entry in ClinVar:

NM_001017979.3(RAB28):c.344G>A (p.Ser115Asn)

Gene: RAB28 (RAB28, member RAS oncogene family; minus strand). Cytogenetic location: 4p15.33.
Variant type: single nucleotide variant.
Coding change: c.344G>A on transcript NM_001017979.3 (MANE Select); coding-DNA position 344, G replaced by A.
Protein change: p.Ser115Asn; replaces serine 115 with asparagine.
Molecular consequence: missense variant.
Genome position (GRCh38, 1-based): chr4:13,460,746, C>T on the plus strand (G>A on the coding strand, the complement: RAB28 is on the minus strand). VCF-style: chr4-13460746-C-T. GRCh37 (hg19) VCF-style: chr4-13462370-C-T.
Other names: c.344G>A, p.Ser115Asn (NM_001159601.2, NM_004249.4); short protein forms S115N.
Identifiers: ClinVar variation 1046060 (VCV001046060.6), dbSNP rs1281911398, ClinGen allele CA356373704.

ClinVar aggregate classification (germline): Uncertain significance (1 of 4 stars; one submission).

Allele frequency attached by ClinVar (database versions not stated): gnomAD exomes below 0.00001; TOPMed 0.00001.
gnomAD v4.1: 1 of 1,614,080 alleles (0.000062%); no homozygotes.

Submission:

Labcorp Genetics (formerly Invitae), Labcorp
Classification: Uncertain significance. Last evaluated: 2022-07-05. Review status: criteria provided, single submitter. Criteria: Invitae Variant Classification Sherloc (09022015). Collection method: clinical testing. Allele origin: germline.
Comment: Algorithms developed to predict the effect of missense changes on protein structure and function output the following: SIFT: "Tolerated"; PolyPhen-2: "Benign"; Align-GVGD: "Class C0". The asparagine amino acid residue is found in multiple mammalian species, which suggests that this missense change does not adversely affect protein function. In summary, the available evidence is currently insufficient to determine the role of this variant in disease. Therefore, it has been classified as a Variant of Uncertain Significance. ClinVar contains an entry for this variant (Variation ID: 1046060). This variant has not been reported in the literature in individuals affected with RAB28-related conditions. This variant is present in population databases (no rsID available, gnomAD no frequency). This sequence change replaces serine, which is neutral and polar, with asparagine, which is neutral and polar, at codon 115 of the RAB28 protein (p.Ser115Asn).